The following is an entry in ClinVar:

ClinVar aggregate classification (germline): Likely benign (1 of 4 stars; one submission).

Allele frequency attached by ClinVar (database versions not stated): gnomAD exomes 0.00001; TOPMed 0.00002; ExAC 0.00004; gnomAD 0.00004; ESP Exome Variant Server 0.00008.
gnomAD v4.1: 29 of 1,613,640 alleles (0.0018%); highest among the groups gnomAD compares: African/African-American, 0.0013%; no homozygotes.

Submission:

CeGaT Center for Human Genetics Tuebingen
Classification: Likely benign. Last evaluated: 2023-02-01. Review status: criteria provided, single submitter. Criteria: CeGaT Center For Human Genetics Tuebingen Variant Classification Criteria Version 2. Collection method: clinical testing. Allele origin: germline. Affected: yes. Observed: 2 variant alleles.
Comment: RALGDS: BP4, BP7

NM_006266.4(RALGDS):c.2340A>G (p.Ser780=)

Genes: RALGDS (ral guanine nucleotide dissociation stimulator; minus strand), LOC126860784 (CDK7 strongly-dependent group 2 enhancer GRCh37_chr9:135976589-135977788; plus strand). Cytogenetic location: 9q34.2.
Variant type: single nucleotide variant.
Coding change: c.2340A>G on transcript NM_006266.4 (MANE Select); coding-DNA position 2340, A replaced by G.
Protein change: p.Ser780=; no amino-acid change (serine 780 retained).
Molecular consequence: synonymous variant.
Genome position (GRCh38, 1-based): chr9:133,101,634, T>C on the plus strand (A>G on the coding strand, the complement: RALGDS is on the minus strand). VCF-style: chr9-133101634-T-C. GRCh37 (hg19) VCF-style: chr9-135977021-T-C.
Other names: c.2175A>G, p.Ser725= (NM_001042368.3); c.2253A>G, p.Ser751= (NM_001271774.2); c.2337A>G, p.Ser779= (NM_001271775.2); c.2304A>G, p.Ser768= (NM_001271776.2).
Identifiers: ClinVar variation 2659688 (VCV002659688.24), dbSNP rs377526998, ClinGen allele CA5304076.